The following is an entry in ClinVar:

ClinVar aggregate classification (germline): Likely benign (1 of 4 stars; one submission).

Submission:

CeGaT Center for Human Genetics Tuebingen
Classification: Likely benign. Last evaluated: 2024-11-01. Review status: criteria provided, single submitter. Criteria: CeGaT Center For Human Genetics Tuebingen Variant Classification Criteria Version 2. Collection method: clinical testing. Allele origin: germline. Affected: yes. Observed: 1 variant allele.
Comment: USF3: PM2:Supporting, BP4, BP7

NM_001009899.4(USF3):c.3408A>T (p.Ala1136=)

Gene: USF3 (upstream transcription factor family member 3; minus strand). Cytogenetic location: 3q13.2.
Variant type: single nucleotide variant.
Coding change: c.3408A>T on transcript NM_001009899.4 (MANE Select); coding-DNA position 3408, A replaced by T.
Protein change: p.Ala1136=; no amino-acid change (alanine 1136 retained).
Molecular consequence: synonymous variant.
Genome position (GRCh38, 1-based): chr3:113,658,274, T>A on the plus strand (A>T on the coding strand, the complement: USF3 is on the minus strand). VCF-style: chr3-113658274-T-A. GRCh37 (hg19) VCF-style: chr3-113377121-T-A.
Identifiers: ClinVar variation 3388771 (VCV003388771.14).